The following is an entry in ClinVar:

NM_016335.6(PRODH):c.1772G>A (p.Arg591Gln)

Gene: PRODH (proline dehydrogenase 1; minus strand). Cytogenetic location: 22q11.21.
Variant type: single nucleotide variant.
Coding change: c.1772G>A on transcript NM_016335.6 (MANE Select); coding-DNA position 1772, G replaced by A.
Protein change: p.Arg591Gln; replaces arginine 591 with glutamine.
Molecular consequence: missense variant.
Genome position (GRCh38, 1-based): chr22:18,913,206, C>T on the plus strand (G>A on the coding strand, the complement: PRODH is on the minus strand). VCF-style: chr22-18913206-C-T. GRCh37 (hg19) VCF-style: chr22-18900719-C-T.
Other names: c.1448G>A, p.Arg483Gln (NM_001195226.2); short protein forms R483Q, R591Q.
Identifiers: ClinVar variation 1016144 (VCV001016144.9), dbSNP rs779412444, ClinGen allele CA410637612.

ClinVar aggregate classification (germline): Uncertain significance. Review status: criteria provided, multiple submitters, no conflicts (2 of 4 stars). 2 submissions from 2 submitters: Uncertain significance (2). Last evaluated 2022-07-12.

Conditions:
Proline dehydrogenase deficiency (HYRPRO1). Also called: Hyperprolinemia type 1; PROLINE OXIDASE DEFICIENCY. Identifiers: Orphanet 419, MedGen C0268529, MONDO:0009400, OMIM 239500.
Schizophrenia 4 (SCZD4). Also called: SCHIZOPHRENIA SUSCEPTIBILITY LOCUS, CHROMOSOME 22q11-RELATED; SCHIZOPHRENIA, SUSCEPTIBILITY TO, 4. Identifiers: MedGen C1833247, MONDO:0010943, OMIM 600850.

Submissions (2):

Labcorp Genetics (formerly Invitae), Labcorp
Classification: Uncertain significance for Proline dehydrogenase deficiency. Last evaluated: 2022-07-12. Review status: criteria provided, single submitter. Criteria: Invitae Variant Classification Sherloc (09022015). Collection method: clinical testing. Allele origin: germline.
Comment: In summary, the available evidence is currently insufficient to determine the role of this variant in disease. Therefore, it has been classified as a Variant of Uncertain Significance. Algorithms developed to predict the effect of missense changes on protein structure and function (SIFT, PolyPhen-2, Align-GVGD) all suggest that this variant is likely to be tolerated. ClinVar contains an entry for this variant (Variation ID: 1016144). This variant has not been reported in the literature in individuals affected with PRODH-related conditions. The frequency data for this variant in the population databases is considered unreliable, as metrics indicate poor data quality at this position in the gnomAD database. This sequence change replaces arginine, which is basic and polar, with glutamine, which is neutral and polar, at codon 591 of the PRODH protein (p.Arg591Gln).

Fulgent Genetics
Classification: Uncertain significance for Proline dehydrogenase deficiency; Schizophrenia 4. Last evaluated: 2022-02-11. Review status: criteria provided, single submitter. Criteria: ACMG Guidelines, 2015. Collection method: clinical testing. Allele origin: unknown.